The following is an entry in ClinVar:

ClinVar aggregate classification (germline): Likely benign. Review status: criteria provided, multiple submitters, no conflicts (2 of 4 stars). 3 submissions from 3 submitters: Likely benign (3). Last evaluated 2026-03-09.

Conditions:
IMPG1-related disorder. Also called: IMPG1-related condition.

Allele frequency attached by ClinVar (database versions not stated): ExAC 0.00002; ESP Exome Variant Server 0.00008; TOPMed 0.00008.
gnomAD v4.1: 45 of 1,580,992 alleles (0.0028%); highest among the groups gnomAD compares: Middle Eastern, 0.017%; no homozygotes.

Submissions (3):

PreventionGenetics, part of Exact Sciences
Classification: Likely benign for IMPG1-related condition. Last evaluated: 2026-03-09. Review status: criteria provided, single submitter. Criteria: ACMG Guidelines, 2015. Collection method: clinical testing. Allele origin: germline.
Comment: This variant is classified as likely benign based on ACMG/AMP sequence variant interpretation guidelines (Richards et al. 2015 PMID: 25741868, with internal and published modifications).

Labcorp Genetics (formerly Invitae), Labcorp
Classification: Likely benign. Last evaluated: 2025-03-31. Review status: criteria provided, single submitter. Criteria: Invitae Variant Classification Sherloc (09022015). Collection method: clinical testing. Allele origin: germline.

Blueprint Genetics
Classification: Likely benign. Last evaluated: 2023-04-13. Review status: criteria provided, single submitter. Criteria: ACMG Guidelines, 2015. Collection method: clinical testing. Allele origin: germline.

NM_001563.4(IMPG1):c.573C>T (p.Asn191=)

Gene: IMPG1 (interphotoreceptor matrix proteoglycan 1; minus strand). Cytogenetic location: 6q14.1.
Variant type: single nucleotide variant.
Coding change: c.573C>T on transcript NM_001563.4 (MANE Select); coding-DNA position 573, C replaced by T.
Protein change: p.Asn191=; no amino-acid change (asparagine 191 retained).
Molecular consequence: synonymous variant.
Genome position (GRCh38, 1-based): chr6:76,022,209, G>A on the plus strand (C>T on the coding strand, the complement: IMPG1 is on the minus strand). VCF-style: chr6-76022209-G-A. GRCh37 (hg19) VCF-style: chr6-76731926-G-A.
Other names: c.573C>T (NM_001563.3); c.339C>T, p.Asn113= (NM_001282368.2).
Identifiers: ClinVar variation 2143613 (VCV002143613.6), dbSNP rs200953805, ClinGen allele CA3898422.